The following is an entry in ClinVar:

ClinVar aggregate classification (germline): Uncertain significance. Review status: criteria provided, multiple submitters, no conflicts (2 of 4 stars). 4 submissions from 4 submitters: Uncertain significance (3). 1 of the submissions does not count toward it. Last evaluated 2023-05-17.

Conditions:
Alstrom syndrome (ALMS). Identifiers: Orphanet 64, MedGen C0268425, MONDO:0008763, OMIM 203800.

Allele frequency attached by ClinVar (database versions not stated): ExAC 0.00001; gnomAD 0.00002 and 0.00003; gnomAD exomes 0.00002 and 0.00003; TOPMed 0.00005.
gnomAD v4.1: 54 of 1,613,982 alleles (0.0033%); highest among the groups gnomAD compares: East Asian, 0.11%; no homozygotes.

Submissions (4):

Women's Health and Genetics/Laboratory Corporation of America, LabCorp
Classification: Uncertain significance. Last evaluated: 2023-05-17. Review status: criteria provided, single submitter. Criteria: LabCorp Variant Classification Summary - May 2015. Collection method: clinical testing. Allele origin: germline.
Comment: Variant summary: ALMS1 c.9925C>T (p.Pro3309Ser) results in a non-conservative amino acid change in the encoded protein sequence. Three of four in-silico tools predict a damaging effect of the variant on protein function. The variant allele was found at a frequency of 0.00065 in 326722 control chromosomes. This frequency is not significantly higher than estimated for a pathogenic variant in ALMS1 causing Alstrom Syndrome With Dilated Cardiomyopathy (0.00065 vs 0.0018), allowing no conclusion about variant significance. However, there is a higher frequency (0.0027 in 77444 chromosomes) of the variant in control chromosomes in the Japanese population (JMorp). c.9925C>T has not been reported in the literature in individuals affected with Alstrom Syndrome With Dilated Cardiomyopathy. These report(s) do not provide unequivocal conclusions about association of the variant with Alstrom Syndrome With Dilated Cardiomyopathy. To our knowledge, no experimental evidence demonstrating an impact on protein function has been reported. The following publications have been ascertained in the context of this evaluation (PMID: 33179747, 29681726). Three clinical diagnostic laboratories have submitted clinical-significance assessments for this variant to ClinVar after 2014 without evidence for independent evaluation. All laboratories classified the variant as uncertain significance. Based on the evidence outlined above, the variant was classified as VUS-possibly benign.

Labcorp Genetics (formerly Invitae), Labcorp
Classification: Uncertain significance for Alstrom syndrome. Last evaluated: 2022-10-18. Review status: criteria provided, single submitter. Criteria: Invitae Variant Classification Sherloc (09022015). Collection method: clinical testing. Allele origin: germline.
Comment: This sequence change replaces proline with serine at codon 3311 of the ALMS1 protein (p.Pro3311Ser). The proline residue is highly conserved and there is a moderate physicochemical difference between proline and serine. This variant is present in population databases (rs775666186, gnomAD 0.03%). This variant has not been reported in the literature in individuals affected with ALMS1-related conditions. ClinVar contains an entry for this variant (Variation ID: 972158). Experimental studies and prediction algorithms are not available or were not evaluated, and the functional significance of this variant is currently unknown. In summary, the available evidence is currently insufficient to determine the role of this variant in disease. Therefore, it has been classified as a Variant of Uncertain Significance.

Fulgent Genetics
Classification: Uncertain significance for Alstrom syndrome. Last evaluated: 2021-08-20. Review status: criteria provided, single submitter. Criteria: ACMG Guidelines, 2015. Collection method: clinical testing. Allele origin: unknown.

Natera, Inc.
Classification: Uncertain significance for Alstrom syndrome. Last evaluated: 2021-02-25. Review status: no assertion criteria provided. Collection method: clinical testing. Allele origin: germline. Not counted in ClinVar's aggregate classification.

Literature cited by the submitters: PubMed 33179747 (cited by Women's Health and Genetics/Laboratory Corporation of America, LabCorp); PubMed 29681726 (cited by Women's Health and Genetics/Laboratory Corporation of America, LabCorp).

NM_001378454.1(ALMS1):c.9928C>T (p.Pro3310Ser)

Gene: ALMS1 (ALMS1 centrosome and basal body associated protein; plus strand). Cytogenetic location: 2p13.1.
Variant type: single nucleotide variant.
Coding change: c.9928C>T on transcript NM_001378454.1 (MANE Select); coding-DNA position 9928, C replaced by T.
Protein change: p.Pro3310Ser; replaces proline 3310 with serine.
Molecular consequence: missense variant.
Genome position (GRCh38, 1-based): chr2:73,550,287, C>T. VCF-style: chr2-73550287-C-T. GRCh37 (hg19) VCF-style: chr2-73777414-C-T.
Other names: c.9931C>T, p.Pro3311Ser (NM_015120.4); short protein forms P3311S, P3310S.
Identifiers: ClinVar variation 972158 (VCV000972158.9), dbSNP rs775666186, ClinGen allele CA1714835.